The following is an entry in ClinVar:

ClinVar aggregate classification (germline): Uncertain significance (1 of 4 stars; one submission).

Allele frequency attached by ClinVar (database versions not stated): gnomAD exomes below 0.00001; ExAC 0.00001.
gnomAD v4.1: 1 of 1,614,206 alleles (0.000062%); highest among the groups gnomAD compares: Non-Finnish European, 0.000085%; no homozygotes.

Submission:

Ambry Genetics
Classification: Uncertain significance. Last evaluated: 2024-04-22. Review status: criteria provided, single submitter. Criteria: Ambry Variant Classification Scheme 2023. Collection method: clinical testing. Allele origin: germline.
Comment: The p.K1597Q variant (also known as c.4789A>C), located in coding exon 4 of the ALPK2 gene, results from an A to C substitution at nucleotide position 4789. The lysine at codon 1597 is replaced by glutamine, an amino acid with similar properties. This amino acid position is conserved. In addition, this alteration is predicted to be tolerated by in silico analysis. Since supporting evidence is limited at this time, the clinical significance of this alteration remains unclear.

NM_052947.4(ALPK2):c.4789A>C (p.Lys1597Gln)

Genes: ALPK2 (alpha kinase 2; minus strand), LOC126862764 (BRD4-independent group 4 enhancer GRCh37_chr18:56202574-56203773; plus strand). Cytogenetic location: 18q21.31.
Variant type: single nucleotide variant.
Coding change: c.4789A>C on transcript NM_052947.4 (MANE Select); coding-DNA position 4789, A replaced by C.
Protein change: p.Lys1597Gln; replaces lysine 1597 with glutamine.
Molecular consequence: missense variant.
Genome position (GRCh38, 1-based): chr18:58,535,398, T>G on the plus strand (A>C on the coding strand, the complement: ALPK2 is on the minus strand). VCF-style: chr18-58535398-T-G. GRCh37 (hg19) VCF-style: chr18-56202630-T-G.
Other names: short protein forms K1597Q.
Identifiers: ClinVar variation 1743078 (VCV001743078.3), dbSNP rs773806462, ClinGen allele CA8976630.